The following is an entry in ClinVar:

NM_002637.4(PHKA1):c.2370A>G (p.Lys790=)

Gene: PHKA1 (phosphorylase kinase regulatory subunit alpha 1; minus strand). Cytogenetic location: Xq13.1.
Variant type: single nucleotide variant.
Coding change: c.2370A>G on transcript NM_002637.4 (MANE Select); coding-DNA position 2370, A replaced by G.
Protein change: p.Lys790=; no amino-acid change (lysine 790 retained).
Molecular consequence: synonymous variant.
Genome position (GRCh38, 1-based): chrX:72,611,184, T>C on the plus strand (A>G on the coding strand, the complement: PHKA1 is on the minus strand). VCF-style: chrX-72611184-T-C. GRCh37 (hg19) VCF-style: chrX-71831034-T-C.
Other names: c.2370A>G, p.Lys790= (NM_001122670.2); c.2193A>G, p.Lys731= (NM_001172436.2); c.2370A>G (NM_002637.3).
Identifiers: ClinVar variation 2067295 (VCV002067295.5), dbSNP rs781926600, ClinGen allele CA10450701.

ClinVar aggregate classification (germline): Conflicting classifications of pathogenicity. Review status: criteria provided, conflicting classifications (1 of 4 stars). 2 submissions from 2 submitters: Uncertain significance (1); Likely benign (1). Last evaluated 2025-07-12.

Conditions:
Inborn genetic diseases. Identifiers: MedGen C0950123, MeSH D030342.
Glycogen storage disease IXd (GSD9D). Also called: Muscle Phosphorylase Kinase Deficiency; GSD IXd. Identifiers: Orphanet 715, MedGen C1845151, MONDO:0010362, OMIM 300559.

Allele frequency attached by ClinVar (database versions not stated): gnomAD exomes below 0.00001; ExAC 0.00001; gnomAD 0.00003; TOPMed 0.00004.
gnomAD v4.1: 10 of 1,194,542 alleles (0.00084%); highest among the groups gnomAD compares: African/African-American, 0.012%; no homozygotes.

Submissions (2):

Ambry Genetics
Classification: Likely benign for Inborn genetic diseases. Last evaluated: 2025-07-12. Review status: criteria provided, single submitter. Criteria: Ambry Variant Classification Scheme 2023. Collection method: clinical testing. Allele origin: germline.

Labcorp Genetics (formerly Invitae), Labcorp
Classification: Uncertain significance for Glycogen storage disease IXd. Last evaluated: 2024-11-10. Review status: criteria provided, single submitter. Criteria: Invitae Variant Classification Sherloc (09022015). Collection method: clinical testing. Allele origin: germline.
Comment: This sequence change affects codon 790 of the PHKA1 mRNA. It is a 'silent' change, meaning that it does not change the encoded amino acid sequence of the PHKA1 protein. It affects a nucleotide within the consensus splice site. This variant is present in population databases (rs781926600, gnomAD 0.02%). This variant has not been reported in the literature in individuals affected with PHKA1-related conditions. ClinVar contains an entry for this variant (Variation ID: 2067295). Algorithms developed to predict the effect of sequence changes on RNA splicing suggest that this variant is not likely to affect RNA splicing. In summary, the available evidence is currently insufficient to determine the role of this variant in disease. Therefore, it has been classified as a Variant of Uncertain Significance.